The following is an entry in ClinVar:

NM_032043.3(BRIP1):c.2493-1G>C

Gene: BRIP1 (BRCA1 interacting DNA helicase 1; minus strand). Cytogenetic location: 17q23.2.
Variant type: single nucleotide variant.
Coding change: c.2493-1G>C on transcript NM_032043.3 (MANE Select); the canonical splice acceptor site of the intron before coding-DNA position 2493, G replaced by C.
Molecular consequence: splice acceptor variant.
Genome position (GRCh38, 1-based): chr17:61,693,513, C>G on the plus strand (G>C on the coding strand, the complement: BRIP1 is on the minus strand). VCF-style: chr17-61693513-C-G. GRCh37 (hg19) VCF-style: chr17-59770874-C-G.
Identifiers: ClinVar variation 187074 (VCV000187074.25), dbSNP rs786203451, ClinGen allele CA196671.

ClinVar aggregate classification (germline): Likely pathogenic. Review status: criteria provided, multiple submitters, no conflicts (2 of 4 stars). 3 submissions from 3 submitters: Likely pathogenic (2). 1 of the submissions does not count toward it. Last evaluated 2023-06-07.

Conditions:
Gastric cancer. Also called: Stomach cancer; Malignant tumor of stomach. Identifiers: MedGen C0024623, MeSH D013274, MONDO:0001056, OMIM 613659, HP:0012126.
Hereditary cancer-predisposing syndrome. Also called: Tumor predisposition; Neoplastic Syndromes, Hereditary; Hereditary Cancer Syndrome; Hereditary neoplastic syndrome. Identifiers: Orphanet 140162, MedGen C0027672, MeSH D009386, MONDO:0015356.
Familial cancer of breast. Also called: hereditary breast carcinoma; Hereditary breast cancer; BREAST CANCER, FAMILIAL. Identifiers: Orphanet 227535, MedGen C0346153, MONDO:0016419, OMIM 114480. Disease mechanism: loss of function.

Submissions (3):

Myriad Genetics, Inc.
Classification: Likely pathogenic for Familial cancer of breast. Last evaluated: 2023-06-07. Review status: criteria provided, single submitter. Criteria: Myriad Autosomal Dominant, Autosomal Recessive and X-Linked Classification Criteria (2023). Collection method: clinical testing. Allele origin: unknown.
Comment: This variant is considered likely pathogenic. This variant occurs within a consensus splice junction and is predicted to result in abnormal mRNA splicing of either an out-of-frame exon or an in-frame exon necessary for protein stability and/or normal function.

Ambry Genetics
Classification: Likely pathogenic for Hereditary cancer-predisposing syndrome. Last evaluated: 2019-08-06. Review status: criteria provided, single submitter. Criteria: Ambry Variant Classification Scheme 2023. Collection method: clinical testing. Allele origin: germline.
Comment: The c.2493-1G>C intronic variant, results from a G to C one nucleotide upstream from coding exon 17 of the BRIP1 gene. This nucleotide position is highly conserved in available vertebrate species. In one study, this alteration was observed in 1/3236 cases with invasive epithelial ovarian cancer and 0/3431 controls (Ramus SJ et al. J. Natl. Cancer Inst. 2015 Nov;107:). Using the BDGP and ESEfinder splice site prediction tools, this alteration is predicted to abolish the native acceptor splice site; however, direct evidence is unavailable. Alterations that disrupt the canonical splice site are expected to cause aberrant splicing, resulting in an abnormal protein or a transcript that is subject to nonsense-mediated mRNA decay. As such, this alteration is classified as likely pathogenic.

Laboratory for Genotyping Development, RIKEN
Classification: Pathogenic for Gastric cancer. Last evaluated: 2021-07-01. Review status: no assertion criteria provided. Collection method: research. Allele origin: germline. Not counted in ClinVar's aggregate classification.

Literature cited by the submitters: PubMed 26315354 (cited by Ambry Genetics); PubMed 36988593 (cited by Laboratory for Genotyping Development, RIKEN).